The following is an entry in ClinVar:

ClinVar aggregate classification (germline): Uncertain significance (1 of 4 stars; one submission).

Conditions:
Developmental and epileptic encephalopathy, 30 (DEE30). Also called: Epileptic encephalopathy, early infantile, 30. Identifiers: MedGen C4225360, MONDO:0014595, OMIM 616341.

Allele frequency attached by ClinVar (database versions not stated): 1000 Genomes Project 0.00020; ExAC 0.00032.

Submission:

Labcorp Genetics (formerly Invitae), Labcorp
Classification: Uncertain significance for Developmental and epileptic encephalopathy, 30. Last evaluated: 2024-07-05. Review status: criteria provided, single submitter. Criteria: Invitae Variant Classification Sherloc (09022015). Collection method: clinical testing. Allele origin: germline.
Comment: This sequence change replaces proline, which is neutral and non-polar, with leucine, which is neutral and non-polar, at codon 679 of the SIK1 protein (p.Pro679Leu). This variant is present in population databases (rs567040219, gnomAD 0.05%). This variant has not been reported in the literature in individuals affected with SIK1-related conditions. ClinVar contains an entry for this variant (Variation ID: 2157027). Advanced modeling of protein sequence and biophysical properties (such as structural, functional, and spatial information, amino acid conservation, physicochemical variation, residue mobility, and thermodynamic stability) performed at Invitae indicates that this missense variant is not expected to disrupt SIK1 protein function with a negative predictive value of 95%. In summary, the available evidence is currently insufficient to determine the role of this variant in disease. Therefore, it has been classified as a Variant of Uncertain Significance.

NM_173354.5(SIK1):c.2036C>T (p.Pro679Leu)

Gene: SIK1 (salt inducible kinase 1; minus strand). Cytogenetic location: 21q22.3.
Variant type: single nucleotide variant.
Coding change: c.2036C>T on transcript NM_173354.5 (MANE Select); coding-DNA position 2036, C replaced by T.
Protein change: p.Pro679Leu; replaces proline 679 with leucine.
Molecular consequence: missense variant.
Genome position (GRCh38, 1-based): chr21:43,417,058, G>A on the plus strand (C>T on the coding strand, the complement: SIK1 is on the minus strand). VCF-style: chr21-43417058-G-A. GRCh37 (hg19) VCF-style: chr21-44836938-G-A.
Other names: short protein forms P679L.
Identifiers: ClinVar variation 2157027 (VCV002157027.4), dbSNP rs567040219, ClinGen allele CA321324521.